The following is an entry in ClinVar:

NM_004329.3(BMPR1A):c.862A>G (p.Ile288Val)

Gene: BMPR1A (bone morphogenetic protein receptor type 1A; plus strand). Cytogenetic location: 10q23.2.
Variant type: single nucleotide variant.
Coding change: c.862A>G on transcript NM_004329.3 (MANE Select); coding-DNA position 862, A replaced by G.
Protein change: p.Ile288Val; replaces isoleucine 288 with valine.
Molecular consequence: missense variant. On other transcripts: non-coding transcript variant (3).
Genome position (GRCh38, 1-based): chr10:86,917,320, A>G. VCF-style: chr10-86917320-A-G. GRCh37 (hg19) VCF-style: chr10-88677077-A-G.
Other names: c.862A>G, p.Ile288Val (NM_001406575.1, NM_001406576.1, NM_001406577.1 and 19 more transcripts); c.856A>G, p.Ile286Val (NM_001406583.1); c.778A>G, p.Ile260Val (NM_001406584.1, NM_001406585.1, NM_001406586.1 and 2 more transcripts); c.937A>G, p.Ile313Val (NM_001406559.1); c.910A>G, p.Ile304Val (NM_001406560.1); c.520A>G, p.Ile174Val (NM_001406589.1); short protein forms I174V, I260V, I286V, I288V, I304V, I313V.
Identifiers: ClinVar variation 3072971 (VCV003072971.4), dbSNP rs2539605730, ClinGen allele CA377458852.
Genomic context (GRCh38, chr10:86,917,320, plus strand): 5'-GAAGCCAGCTGGTTTCGAGAAACAGAAATCTACCAAACTGTGCTAATGCGCCATGAAAAC[A>G]TACTTGGTGGGTACACACTGATTCAGTCAATTTCATTTTTGACAAGGCTAGTGAGGTACA-3'
Protein context (NP_004320.2, residues 278-298): YQTVLMRHEN[Ile288Val]LGFIAADIKG

ClinVar aggregate classification (germline): Uncertain significance. Review status: criteria provided, multiple submitters, no conflicts (2 of 4 stars). 3 submissions from 3 submitters: Uncertain significance (3). Last evaluated 2024-09-30.

Conditions:
Juvenile polyposis syndrome (JPS). Identifiers: Orphanet 2929, MedGen C0345893, MONDO:0017380, OMIM 174900.
Hereditary cancer-predisposing syndrome. Also called: Hereditary neoplastic syndrome; Neoplastic Syndromes, Hereditary; Tumor predisposition; Hereditary Cancer Syndrome. Identifiers: Orphanet 140162, MedGen C0027672, MeSH D009386, MONDO:0015356.

Allele frequency attached by ClinVar (database versions not stated): gnomAD exomes below 0.00001.
gnomAD v4.1: 2 of 1,614,180 alleles (0.00012%); highest among the groups gnomAD compares: East Asian, 0.0045%; no homozygotes.

Submissions (3):

Labcorp Genetics (formerly Invitae), Labcorp
Classification: Uncertain significance for Juvenile polyposis syndrome. Last evaluated: 2024-09-30. Review status: criteria provided, single submitter. Criteria: Invitae Variant Classification Sherloc (09022015). Collection method: clinical testing. Allele origin: germline.
Comment: This sequence change replaces isoleucine, which is neutral and non-polar, with valine, which is neutral and non-polar, at codon 288 of the BMPR1A protein (p.Ile288Val). This variant is not present in population databases (gnomAD no frequency). This variant has not been reported in the literature in individuals affected with BMPR1A-related conditions. Invitae Evidence Modeling of protein sequence and biophysical properties (such as structural, functional, and spatial information, amino acid conservation, physicochemical variation, residue mobility, and thermodynamic stability) has been performed for this missense variant. However, the output from this modeling did not meet the statistical confidence thresholds required to predict the impact of this variant on BMPR1A protein function. In summary, the available evidence is currently insufficient to determine the role of this variant in disease. Therefore, it has been classified as a Variant of Uncertain Significance.

Ambry Genetics
Classification: Uncertain significance for Hereditary cancer-predisposing syndrome. Last evaluated: 2024-08-01. Review status: criteria provided, single submitter. Criteria: Ambry Variant Classification Scheme 2023. Collection method: clinical testing. Allele origin: germline.
Comment: The p.I288V variant (also known as c.862A>G), located in coding exon 7 of the BMPR1A gene, results from an A to G substitution at nucleotide position 862. The isoleucine at codon 288 is replaced by valine, an amino acid with highly similar properties. This amino acid position is conserved. In addition, the in silico prediction for this alteration is inconclusive. Based on the available evidence, the clinical significance of this variant remains unclear.

All of Us Research Program, National Institutes of Health
Classification: Uncertain significance for Juvenile polyposis syndrome. Last evaluated: 2023-08-15. Review status: criteria provided, single submitter. Criteria: ACMG Guidelines, 2015. Collection method: clinical testing. Allele origin: germline. Inheritance: Autosomal dominant inheritance. Observed: 1 variant allele, 1 heterozygote.
Comment: This missense variant replaces isoleucine with valine at codon 288 of the BMPR1A protein. Computational prediction is inconclusive regarding the impact of this variant on protein structure and function (internally defined REVEL score threshold 0.5 < inconclusive < 0.7, PMID: 27666373). To our knowledge, functional studies have not been reported for this variant. This variant has not been reported in individuals affected with BMPR1A-related disorders in the literature. This variant has not been identified in the general population by the Genome Aggregation Database (gnomAD). The available evidence is insufficient to determine the role of this variant in disease conclusively. Therefore, this variant is classified as a Variant of Uncertain Significance.

This study involves interpretation of variants in research participants for the purpose of population health screening. Participant phenotype was not available at the time of variant classification. Additional details can be found in publication PMID: 35346344, PMCID: PMC8962531